The following is an entry in ClinVar:

NM_012208.4(HARS2):c.955-3C>A

Gene: HARS2 (histidyl-tRNA synthetase 2, mitochondrial; plus strand). Cytogenetic location: 5q31.3.
Variant type: single nucleotide variant.
Coding change: c.955-3C>A on transcript NM_012208.4 (MANE Select); 3 bases into the intron before coding-DNA position 955, C replaced by A.
Molecular consequence: intron variant.
Genome position (GRCh38, 1-based): chr5:140,697,161, C>A. VCF-style: chr5-140697161-C-A. GRCh37 (hg19) VCF-style: chr5-140076746-C-A.
Other names: c.523-3C>A (NM_001278732.2); c.973-3C>A (NM_001363535.2); c.880-3C>A (NM_001278731.2); c.745-3C>A (NM_001363536.2).
Identifiers: ClinVar variation 1994893 (VCV001994893.4), dbSNP rs2481382732, ClinGen allele CA2580072978.

ClinVar aggregate classification (germline): Uncertain significance (1 of 4 stars; one submission).

Submission:

Labcorp Genetics (formerly Invitae), Labcorp
Classification: Uncertain significance. Last evaluated: 2022-05-15. Review status: criteria provided, single submitter. Criteria: Invitae Variant Classification Sherloc (09022015). Collection method: clinical testing. Allele origin: germline.
Comment: In summary, the available evidence is currently insufficient to determine the role of this variant in disease. Therefore, it has been classified as a Variant of Uncertain Significance. Variants that disrupt the consensus splice site are a relatively common cause of aberrant splicing (PMID: 17576681, 9536098). Algorithms developed to predict the effect of sequence changes on RNA splicing suggest that this variant is not likely to affect RNA splicing. This variant has not been reported in the literature in individuals affected with HARS2-related conditions. This variant is not present in population databases (gnomAD no frequency). This sequence change falls in intron 9 of the HARS2 gene. It does not directly change the encoded amino acid sequence of the HARS2 protein. It affects a nucleotide within the consensus splice site.

Literature cited by the submitters: PubMed 17576681; PubMed 9536098.